The following is an entry in ClinVar:

NM_001267550.2(TTN):c.68224+3_68224+6del

Genes: TTN (titin; minus strand), TTN-AS1 (TTN antisense RNA 1; plus strand), LOC126806423 (CDK7 strongly-dependent group 2 enhancer GRCh37_chr2:179443309-179444508; plus strand). Cytogenetic location: 2q31.2.
Variant type: Deletion.
Coding change: c.68224+3_68224+6del on transcript NM_001267550.2 (MANE Select); bases 3 to 6 of the intron after coding-DNA position 68224, 4 bases deleted (AAGT; older notation c.68224+3_68224+6delAAGT).
Molecular consequence: splice donor variant.
Genome position (GRCh38, 1-based): chr2:178,578,800-178,578,803, ACTT deleted on the plus strand (AAGT on the coding strand, the reverse complement: TTN is on the minus strand); deleting any 4 consecutive bases within chr2:178,578,800-178,578,805 gives the same sequence; the c. name uses the placement nearest the transcript's 3' end. VCF-style (leftmost placement, unchanged base first): chr2-178578799-CACTT-C. GRCh37 (hg19) VCF-style: chr2-179443526-CACTT-C.
Other names: c.41029+3_41029+6del (NM_003319.4); c.41605+3_41605+6del (NM_133437.4); c.41404+3_41404+6del (NM_133432.3); c.60520+3_60520+6del (NM_133378.4); c.63301+3_63301+6del (NM_001256850.1).
Identifiers: ClinVar variation 2947577 (VCV002947577.3), dbSNP rs2468855118, ClinGen allele CA2662129512.
Genomic context (GRCh38, chr2:178,578,799, plus strand): 5'-GATTTATAATAAGAAGCCTCCTCAAAACCGTGTTTTGCTTTACGTCTTCTGAATTTAAGA[CACTT>C]ACCAAATGGATGTCTCGCAACAATTGGCTCCGATTTCAGGCCTTCCCCTACACCATATTT-3'

ClinVar aggregate classification (germline): Uncertain significance (1 of 4 stars; one submission).

Conditions:
Dilated cardiomyopathy 1G (CMD1G). Identifiers: Orphanet 154, MedGen C1858763, MONDO:0011400, OMIM 604145.
Autosomal recessive limb-girdle muscular dystrophy type 2J (LGMDR10). Also called: Limb-girdle muscular dystrophy, type 2J; MUSCULAR DYSTROPHY, LIMB-GIRDLE, AUTOSOMAL RECESSIVE 10. Identifiers: Orphanet 140922, MedGen C1837342, MONDO:0012127, OMIM 608807.

Submission:

Labcorp Genetics (formerly Invitae), Labcorp
Classification: Uncertain significance for Dilated cardiomyopathy 1G; Autosomal recessive limb-girdle muscular dystrophy type 2J. Last evaluated: 2023-05-10. Review status: criteria provided, single submitter. Criteria: Invitae Variant Classification Sherloc (09022015). Collection method: clinical testing. Allele origin: germline.
Comment: This variant is located in the A band of TTN (PMID: 25589632). Variants in this region may be relevant for cardiac or neuromuscular disorders (PMID: 25589632, 23975875). In summary, the available evidence is currently insufficient to determine the role of this variant in disease. Therefore, it has been classified as a Variant of Uncertain Significance. This variant is not present in population databases (gnomAD no frequency). This variant has not been reported in the literature in individuals affected with TTN-related conditions. Variants that disrupt the consensus splice site are a relatively common cause of aberrant splicing (PMID: 17576681, 9536098). Algorithms developed to predict the effect of sequence changes on RNA splicing suggest that this variant may disrupt the consensus splice site. This sequence change falls in intron 320 of the TTN gene. It does not directly change the encoded amino acid sequence of the TTN protein. It affects a nucleotide within the consensus splice site.

Literature cited by the submitters: PubMed 25589632; PubMed 23975875; PubMed 17576681; PubMed 9536098.